The following is an entry in ClinVar:

NM_014851.4(KLHL21):c.765C>G (p.Arg255=)

Gene: KLHL21 (kelch like family member 21; minus strand). Cytogenetic location: 1p36.31.
Variant type: single nucleotide variant.
Coding change: c.765C>G on transcript NM_014851.4 (MANE Select); coding-DNA position 765, C replaced by G.
Protein change: p.Arg255=; no amino-acid change (arginine 255 retained).
Molecular consequence: synonymous variant.
Genome position (GRCh38, 1-based): chr1:6,602,053, G>C on the plus strand (C>G on the coding strand, the complement: KLHL21 is on the minus strand). VCF-style: chr1-6602053-G-C. GRCh37 (hg19) VCF-style: chr1-6662113-G-C.
Other names: c.765C>G, p.Arg255= (NM_001324309.2).
Identifiers: ClinVar variation 4991395 (VCV004991395.1).
Genomic context (GRCh38, chr1:6,602,053, plus strand): 5'-TCGGGGACAGGGCCCGCGGTCGTGGCGGTCGTAGCGCGCCGCCTGGAAGTCGCGCGCCTC[G>C]CGCAGCAGGCGCAGGCAGGGTGGGCAGCGCGCCACCAGCGGCTCGGCCTCGACGTGCGCC-3'
Protein context (NP_055666.2, residues 245-265): ARCPPCLRLL[Arg255=]EARDFQAARY

ClinVar aggregate classification (germline): Likely benign (1 of 4 stars; one submission).

Conditions:
KLHL21-related disorder. Also called: KLHL21-related condition.

Submission:

PreventionGenetics, part of Exact Sciences
Classification: Likely benign for KLHL21-related condition. Last evaluated: 2025-09-30. Review status: criteria provided, single submitter. Criteria: ACMG Guidelines, 2015. Collection method: clinical testing. Allele origin: germline.
Comment: This variant is classified as likely benign based on ACMG/AMP sequence variant interpretation guidelines (Richards et al. 2015 PMID: 25741868, with internal and published modifications).